The following is an entry in ClinVar:

NM_002838.5(PTPRC):c.1862G>A (p.Arg621Lys)

Gene: PTPRC (protein tyrosine phosphatase receptor type C; plus strand). Cytogenetic location: 1q32.1.
Variant type: single nucleotide variant.
Coding change: c.1862G>A on transcript NM_002838.5 (MANE Select); coding-DNA position 1862, G replaced by A.
Protein change: p.Arg621Lys; replaces arginine 621 with lysine.
Molecular consequence: missense variant.
Genome position (GRCh38, 1-based): chr1:198,729,169, G>A. VCF-style: chr1-198729169-G-A. GRCh37 (hg19) VCF-style: chr1-198698298-G-A.
Other names: c.1379G>A, p.Arg460Lys (NM_080921.4); short protein forms R621K, R460K.
Identifiers: ClinVar variation 1408413 (VCV001408413.10), dbSNP rs2102475810, ClinGen allele CA344042405.
Genomic context (GRCh38, chr1:198,729,169, plus strand): 5'-TAGAAACTTATTTTTCCTATTTTCACAGCAATTTAGATGAACAGCAGGAGCTTGTTGAAA[G>A]GGGTAAGTATGTATATTTTTGCTGATGACTATTCCTTCCCCTGCATTTGAATCCATTCAT-3'
Protein context (NP_002829.3, residues 611-631): NLDEQQELVE[Arg621Lys]DDEKQLMNVE

ClinVar aggregate classification (germline): Uncertain significance (1 of 4 stars; one submission).

Conditions:
Immunodeficiency 104. Also called: SCID, AUTOSOMAL RECESSIVE, T CELL-NEGATIVE, B CELL-POSITIVE, NK CELL-POSITIVE; Severe combined immunodeficiency, autosomal recessive, T cell-negative, B cell-positive, NK cell-positive; IMMUNODEFICIENCY 104, SEVERE COMBINED; Severe Combined Immune Deficiency, Autosomal Recessive, TCell -Negative, B Cell-Positive, NK Cell-Positive, IL7R-Related. Identifiers: MedGen C5676890, MONDO:0012163, OMIM 608971.

Submission:

Labcorp Genetics (formerly Invitae), Labcorp
Classification: Uncertain significance for Immunodeficiency 104. Last evaluated: 2025-06-02. Review status: criteria provided, single submitter. Criteria: Invitae Variant Classification Sherloc (09022015). Collection method: clinical testing. Allele origin: germline.
Comment: This sequence change replaces arginine, which is basic and polar, with lysine, which is basic and polar, at codon 621 of the PTPRC protein (p.Arg621Lys). This variant is not present in population databases (gnomAD no frequency). This variant has not been reported in the literature in individuals affected with PTPRC-related conditions. ClinVar contains an entry for this variant (Variation ID: 1408413). An algorithm developed to predict the effect of missense changes on protein structure and function outputs the following: PolyPhen-2: "Benign". The lysine amino acid residue is found in multiple mammalian species, which suggests that this missense change does not adversely affect protein function. In summary, the available evidence is currently insufficient to determine the role of this variant in disease. Therefore, it has been classified as a Variant of Uncertain Significance.